The following is an entry in ClinVar:

NM_000071.3(CBS):c.955-3C>T

Gene: CBS (cystathionine beta-synthase; minus strand). Cytogenetic location: 21q22.3.
Variant type: single nucleotide variant.
Coding change: c.955-3C>T on transcript NM_000071.3 (MANE Select); 3 bases into the intron before coding-DNA position 955, C replaced by T.
Molecular consequence: intron variant.
Genome position (GRCh38, 1-based): chr21:43,062,398, G>A on the plus strand (C>T on the coding strand, the complement: CBS is on the minus strand). VCF-style: chr21-43062398-G-A. GRCh37 (hg19) VCF-style: chr21-44482508-G-A.
Other names: c.955-3C>T (NM_001320298.2, NM_001178009.3, NM_001178008.3); c.640-3C>T (NM_001321072.1).
Identifiers: ClinVar variation 2199839 (VCV002199839.1), dbSNP rs2517425380, ClinGen allele CA2580099006.

ClinVar aggregate classification (germline): Uncertain significance (1 of 4 stars; one submission).

Conditions:
HYPERHOMOCYSTEINEMIA, THROMBOTIC, CBS-RELATED. Identifiers: MedGen C3150344, OMIM 236200.

Submission:

Labcorp Genetics (formerly Invitae), Labcorp
Classification: Uncertain significance for HYPERHOMOCYSTEINEMIA, THROMBOTIC, CBS-RELATED. Last evaluated: 2022-04-01. Review status: criteria provided, single submitter. Criteria: Invitae Variant Classification Sherloc (09022015). Collection method: clinical testing. Allele origin: germline.
Comment: This sequence change falls in intron 10 of the CBS gene. It does not directly change the encoded amino acid sequence of the CBS protein. It affects a nucleotide within the consensus splice site. This variant is not present in population databases (gnomAD no frequency). This variant has not been reported in the literature in individuals affected with CBS-related conditions. Variants that disrupt the consensus splice site are a relatively common cause of aberrant splicing (PMID: 17576681, 9536098). Algorithms developed to predict the effect of sequence changes on RNA splicing suggest that this variant is not likely to affect RNA splicing. In summary, the available evidence is currently insufficient to determine the role of this variant in disease. Therefore, it has been classified as a Variant of Uncertain Significance.

Literature cited by the submitters: PubMed 17576681; PubMed 9536098.